The following is an entry in ClinVar:

ClinVar aggregate classification (germline): Pathogenic (1 of 4 stars; one submission).

Conditions:
Congenital disorder of deglycosylation (CDDG). Identifiers: MedGen C3808991, MONDO:0031376.

Submission:

Labcorp Genetics (formerly Invitae), Labcorp
Classification: Pathogenic for Congenital disorder of deglycosylation. Last evaluated: 2023-05-02. Review status: criteria provided, single submitter. Criteria: Invitae Variant Classification Sherloc (09022015). Collection method: clinical testing. Allele origin: germline.
Comment: This sequence change creates a premature translational stop signal (p.Glu544Aspfs*18) in the NGLY1 gene. It is expected to result in an absent or disrupted protein product. Loss-of-function variants in NGLY1 are known to be pathogenic (PMID: 24651605). This variant is not present in population databases (gnomAD no frequency). This variant has not been reported in the literature in individuals affected with NGLY1-related conditions. For these reasons, this variant has been classified as Pathogenic.

Literature cited by the submitters: PubMed 24651605.

NM_018297.4(NGLY1):c.1632_1635del (p.Glu544fs)

Gene: NGLY1 (N-glycanase 1; minus strand). Cytogenetic location: 3p24.2.
Variant type: Microsatellite.
Coding change: c.1632_1635del on transcript NM_018297.4 (MANE Select); coding-DNA positions 1632 to 1635, 4 bases deleted (AGGA; older notation c.1632_1635delAGGA).
Protein change: p.Glu544fs; shifts the reading frame from glutamic acid 544.
Molecular consequence: frameshift variant. On other transcripts: intron variant (1).
Genome position (GRCh38, 1-based): chr3:25,720,168-25,720,171, TCCT deleted on the plus strand (AGGA on the coding strand, the reverse complement: NGLY1 is on the minus strand); deleting any 4 consecutive bases within chr3:25,720,168-25,720,176 gives the same sequence; the c. name uses the placement nearest the transcript's 3' end. VCF-style (leftmost placement, unchanged base first): chr3-25720167-ATCCT-A. GRCh37 (hg19) VCF-style: chr3-25761658-ATCCT-A.
Other names: c.1578_1581del, p.Glu526fs (NM_001145293.2); c.1506_1509del, p.Glu502fs (NM_001145294.2); c.1612-536_1612-533del (NM_001145295.2); short protein forms E502fs, E526fs, E544fs.
Identifiers: ClinVar variation 2861573 (VCV002861573.3), dbSNP rs2470481718, ClinGen allele CA2739279238.
Genomic context (GRCh38, chr3:25,720,167, plus strand): 5'-TATCTACTTTTAGGCCAACTGACCCACACTCAAACTTCCAGGAAATATAAGCAAAAGATG[ATCCT>A]TCCTTTCGGGCCAAATATACCTATAAGGAGTAGGGATGGGGAGAAAGGAACTGTCAGAAA-3'